The following is an entry in ClinVar:

NM_139318.5(KCNH5):c.198-9dup

Gene: KCNH5 (potassium voltage-gated channel subfamily H member 5; minus strand). Cytogenetic location: 14q23.2.
Variant type: Duplication.
Coding change: c.198-9dup on transcript NM_139318.5 (MANE Select); 9 bases into the intron before coding-DNA position 198, one base duplicated (C; older notation c.198-9dupC).
Molecular consequence: intron variant.
Genome position (GRCh38, 1-based): chr14:63,006,475, G duplicated on the plus strand (C on the coding strand, the reverse complement: KCNH5 is on the minus strand); the first of 7 consecutive G bases (chr14:63,006,475-63,006,481); duplicating any one gives the same sequence. VCF-style (leftmost placement, unchanged base first): chr14-63006474-T-TG. GRCh37 (hg19) VCF-style: chr14-63473192-T-TG.
Other names: c.198-9dup (NM_172375.3); c.198-3dupC (NM_139318.4).
Identifiers: ClinVar variation 1170383 (VCV001170383.13), dbSNP rs752865520, ClinGen allele CA7217722.

ClinVar aggregate classification (germline): Benign/Likely benign. Review status: criteria provided, multiple submitters, no conflicts (2 of 4 stars). 3 submissions from 3 submitters: Benign (1); Likely benign (1). 1 of the submissions does not count toward it. Last evaluated 2025-02-16.

Conditions:
Early-infantile DEE. Also called: Ohtahara syndrome; Early infantile epileptic encephalopathy; Early infantile epileptic encephalopathy with suppression bursts. Identifiers: Orphanet 1934, MedGen C0393706, MONDO:0800491.
KCNH5-related disorder. Also called: KCNH5-related condition.

Submissions (3):

Laboratory of Genetics, Children's Clinical University Hospital Latvia
Classification: Likely benign. Last evaluated: 2025-02-16. Review status: criteria provided, single submitter. Criteria: ACMG Guidelines, 2015. Collection method: clinical testing. Allele origin: germline. Affected: yes.

Labcorp Genetics (formerly Invitae), Labcorp
Classification: Benign for Early-infantile DEE. Last evaluated: 2024-10-28. Review status: criteria provided, single submitter. Criteria: Invitae Variant Classification Sherloc (09022015). Collection method: clinical testing. Allele origin: germline.

PreventionGenetics, part of Exact Sciences
Classification: Likely benign for KCNH5-related condition. Last evaluated: 2020-10-14. Review status: no assertion criteria provided. Collection method: clinical testing. Allele origin: germline. Not counted in ClinVar's aggregate classification.
Comment: This variant is classified as likely benign based on ACMG/AMP sequence variant interpretation guidelines (Richards et al. 2015 PMID: 25741868, with internal and published modifications).